The following is an entry in ClinVar:

NM_001922.5(DCT):c.296-2A>G

Gene: DCT (dopachrome tautomerase; minus strand). Cytogenetic location: 13q32.1.
Variant type: single nucleotide variant.
Coding change: c.296-2A>G on transcript NM_001922.5 (MANE Select); the canonical splice acceptor site of the intron before coding-DNA position 296, A replaced by G.
Molecular consequence: splice acceptor variant. On other transcripts: intron variant (2).
Genome position (GRCh38, 1-based): chr13:94,469,047, T>C on the plus strand (A>G on the coding strand, the complement: DCT is on the minus strand). VCF-style: chr13-94469047-T-C. GRCh37 (hg19) VCF-style: chr13-95121301-T-C.
Other names: c.-338-2389A>G (NM_001322182.2, NM_001322183.2); c.-638-2A>G (NM_001322185.2, NM_001322184.2); c.107-2A>G (NM_001322186.2); c.296-2A>G (NM_001129889.3).
Identifiers: ClinVar variation 5018592 (VCV005018592.2).
Genomic context (GRCh38, chr13:94,469,047, plus strand): 5'-GCAGTTGGGACCGGTCCAGCCAAACTTGCAGTCTCCACAATTATAGCCGGCAAAGTTTCC[T>C]AGTTCACAAAACAGAAAGATGGAAAGGAAGGGGGTTTATGTCGTTTGGAAGAAATTTCTG-3'

ClinVar aggregate classification (germline): Uncertain significance (1 of 4 stars; one submission).

Conditions:
Oculocutaneous albinism type 8. Also called: OCULOCUTANEOUS ALBINISM, TYPE VIII. Identifiers: Orphanet 597733, MedGen C5436929, MONDO:0030899, OMIM 619165.

gnomAD v4.1: 52 of 1,610,248 alleles (0.0032%); highest among the groups gnomAD compares: East Asian, 0.083%; no homozygotes.

Submission:

Juno Genomics, Hangzhou Juno Genomics, Inc
Classification: Uncertain significance for Oculocutaneous albinism type 8. Review status: criteria provided, single submitter. Criteria: ACMG Guidelines, 2015. Collection method: clinical testing. Allele origin: germline.
Comment: Absent from controls (or at extremely low frequency if recessive) in Genome Aggregation Database.;Null variant in a gene where loss of function (LOF) is a known mechanism of disease.